The following is an entry in ClinVar:

ClinVar aggregate classification (germline): Benign/Likely benign. Review status: criteria provided, multiple submitters, no conflicts (2 of 4 stars). 23 submissions from 16 submitters: Benign (14); Likely benign (5). 4 of the submissions do not count toward it. Last evaluated 2026-02-03.

Conditions:
Autosomal recessive limb-girdle muscular dystrophy type 2J (LGMDR10). Also called: MUSCULAR DYSTROPHY, LIMB-GIRDLE, AUTOSOMAL RECESSIVE 10; Limb-girdle muscular dystrophy, type 2J. Identifiers: Orphanet 140922, MedGen C1837342, MONDO:0012127, OMIM 608807.
Dilated cardiomyopathy 1G (CMD1G). Identifiers: Orphanet 154, MedGen C1858763, MONDO:0011400, OMIM 604145.
Cardiomyopathy (CMYO). Also called: Cardiomyopathies. Identifiers: Orphanet 167848, MedGen C0878544, MONDO:0004994, HP:0001638. Inheritance: Various modes of inheritance.
Tibial muscular dystrophy (TMD). Also called: Tibial muscular dystrophy, tardive; Udd Distal Myopathy – Tibial Muscular Dystrophy; UDD MYOPATHY. Identifiers: Orphanet 609, MedGen C1838244, MONDO:0010870, OMIM 600334.
Early-onset myopathy with fatal cardiomyopathy (CMYO5). Also called: CONGENITAL MYOPATHY 5 WITH CARDIOMYOPATHY; Salih Myopathy. Identifiers: Orphanet 289377, MedGen C2673677, MONDO:0012714, OMIM 611705. Disease mechanism: loss of function.
Myopathy, myofibrillar, 9, with early respiratory failure (MFM9). Also called: Myopathy, distal, with early respiratory failure, autosomal dominant; EDSTROM MYOPATHY; MYOPATHY, PROXIMAL, WITH EARLY RESPIRATORY MUSCLE INVOLVEMENT; Hereditary myopathy with early respiratory failure. Identifiers: Orphanet 178464, Orphanet 34521, MedGen C1863599, MONDO:0011362, OMIM 603689.

Allele frequency attached by ClinVar (database versions not stated): gnomAD exomes 0.00060 and 0.00143; ExAC 0.00191; 1000 Genomes Project 30x 0.00547; ESP Exome Variant Server 0.00553; 1000 Genomes Project 0.00579; gnomAD 0.00593; TOPMed 0.00694.
gnomAD v4.1: 1,816 of 1,613,740 alleles (0.11%); highest among the groups gnomAD compares: African/African-American, 2.2%; 18 homozygotes.

Submissions (23):

Labcorp Genetics (formerly Invitae), Labcorp
Classification: Benign for Dilated cardiomyopathy 1G; Autosomal recessive limb-girdle muscular dystrophy type 2J. Last evaluated: 2026-02-03. Review status: criteria provided, single submitter. Criteria: Invitae Variant Classification Sherloc (09022015). Collection method: clinical testing. Allele origin: germline.

Molecular Diagnostic Laboratory for Inherited Cardiovascular Disease, Montreal Heart Institute
Classification: Benign. Last evaluated: 2025-04-09. Review status: criteria provided, single submitter. Criteria: ACMG Guidelines, 2015. Collection method: clinical testing. Allele origin: germline. Affected: no.

Mayo Clinic Laboratories, Mayo Clinic
Classification: Benign. Last evaluated: 2024-12-13. Review status: criteria provided, single submitter. Criteria: ACMG Guidelines, 2015. Collection method: clinical testing. Allele origin: germline. Observed: 14 variant alleles.
Comment: BA1, BP4_moderate

Athena Diagnostics
Classification: Benign. Last evaluated: 2024-03-08. Review status: criteria provided, single submitter. Criteria: Athena Diagnostics Criteria. Collection method: clinical testing. Allele origin: unknown.

Genome-Nilou Lab
Classification: Benign for Autosomal recessive limb-girdle muscular dystrophy type 2J. Last evaluated: 2021-09-10. Review status: criteria provided, single submitter. Criteria: ACMG Guidelines, 2015. Collection method: clinical testing. Allele origin: germline. Affected: no.

Genome-Nilou Lab
Classification: Benign for Myopathy, myofibrillar, 9, with early respiratory failure. Last evaluated: 2021-09-10. Review status: criteria provided, single submitter. Criteria: ACMG Guidelines, 2015. Collection method: clinical testing. Allele origin: germline. Affected: no.

Genome-Nilou Lab
Classification: Benign for Early-onset myopathy with fatal cardiomyopathy. Last evaluated: 2021-09-10. Review status: criteria provided, single submitter. Criteria: ACMG Guidelines, 2015. Collection method: clinical testing. Allele origin: germline. Affected: no.

Genome-Nilou Lab
Classification: Benign for Tibial muscular dystrophy. Last evaluated: 2021-09-10. Review status: criteria provided, single submitter. Criteria: ACMG Guidelines, 2015. Collection method: clinical testing. Allele origin: germline. Affected: no.

ARUP Laboratories, Molecular Genetics and Genomics, ARUP Laboratories
Classification: Benign. Last evaluated: 2021-02-04. Review status: criteria provided, single submitter. Criteria: ARUP Molecular Germline Variant Investigation Process 2021. Collection method: clinical testing. Allele origin: germline.

Women's Health and Genetics/Laboratory Corporation of America, LabCorp
Classification: Likely benign. Last evaluated: 2020-05-10. Review status: criteria provided, single submitter. Criteria: LabCorp Variant Classification Summary - May 2015. Collection method: clinical testing. Allele origin: germline.

Illumina Laboratory Services, Illumina
Classification: Benign for Myopathy, myofibrillar, 9, with early respiratory failure. Last evaluated: 2018-01-12. Review status: criteria provided, single submitter. Criteria: ICSL Variant Classification Criteria 13 December 2019. Collection method: clinical testing. Allele origin: germline.
Comment: This variant was observed in the ICSL laboratory as part of a predisposition screen in an ostensibly healthy population. It had not been previously curated by ICSL or reported in the Human Gene Mutation Database (HGMD: prior to June 1st, 2018), and was therefore a candidate for classification through an automated scoring system. Utilizing variant allele frequency, disease prevalence and penetrance estimates, and inheritance mode, an automated score was calculated to assess if this variant is too frequent to cause the disease. Based on the score and internal cut-off values, a variant classified as benign is not then subjected to further curation. The score for this variant resulted in a classification of benign for this disease.

Illumina Laboratory Services, Illumina
Classification: Benign for Tibial muscular dystrophy. Last evaluated: 2018-01-12. Review status: criteria provided, single submitter. Criteria: ICSL Variant Classification Criteria 13 December 2019. Collection method: clinical testing. Allele origin: germline.
Comment: the same text as in the submission from Illumina Laboratory Services, Illumina above.

Illumina Laboratory Services, Illumina
Classification: Likely benign for Dilated cardiomyopathy 1G. Last evaluated: 2018-01-12. Review status: criteria provided, single submitter. Criteria: ICSL Variant Classification Criteria 13 December 2019. Collection method: clinical testing. Allele origin: germline.
Comment: This variant was observed in the ICSL laboratory as part of a predisposition screen in an ostensibly healthy population. It had not been previously curated by ICSL or reported in the Human Gene Mutation Database (HGMD: prior to June 1st, 2018), and was therefore a candidate for classification through an automated scoring system. Utilizing variant allele frequency, disease prevalence and penetrance estimates, and inheritance mode, an automated score was calculated to assess if this variant is too frequent to cause the disease. Based on the score and internal cut-off values, a variant classified as likely benign is not then subjected to further curation. The score for this variant resulted in a classification of likely benign for this disease.

Illumina Laboratory Services, Illumina
Classification: Likely benign for Autosomal recessive limb-girdle muscular dystrophy type 2J. Last evaluated: 2018-01-12. Review status: criteria provided, single submitter. Criteria: ICSL Variant Classification Criteria 13 December 2019. Collection method: clinical testing. Allele origin: germline.
Comment: the same text as in the submission from Illumina Laboratory Services, Illumina above.

Illumina Laboratory Services, Illumina
Classification: Likely benign for Early-onset myopathy with fatal cardiomyopathy. Last evaluated: 2018-01-12. Review status: criteria provided, single submitter. Criteria: ICSL Variant Classification Criteria 13 December 2019. Collection method: clinical testing. Allele origin: germline.
Comment: the same text as in the submission from Illumina Laboratory Services, Illumina above.

CHEO Genetics Diagnostic Laboratory, Children's Hospital of Eastern Ontario
Classification: Benign for Cardiomyopathy. Last evaluated: 2017-11-28. Review status: criteria provided, single submitter. Criteria: ACMG Guidelines, 2015. Collection method: clinical testing. Allele origin: germline.

GeneDx
Classification: Benign. Last evaluated: 2015-03-03. Review status: criteria provided, single submitter. Criteria: GeneDx Variant Classification Process June 2021. Collection method: clinical testing. Allele origin: germline. Affected: yes.

Laboratory for Molecular Medicine, Mass General Brigham Personalized Medicine
Classification: Benign. Last evaluated: 2013-03-19. Review status: criteria provided, single submitter. Criteria: LMM Criteria. Collection method: clinical testing. Allele origin: germline. Observed: 3 variant alleles.
Comment: Thr4527Ser in exon 56 of TTN: This variant is not expected to have clinical sign ificance because it has been identified in 1.7% (65/3836) of African American ch romosomes from a broad population by the NHLBI Exome Sequencing Project (dbSNP rs16866477).

Breakthrough Genomics
Classification: Likely benign. Review status: criteria provided, single submitter. Criteria: ACMG Guidelines, 2015. Collection method: not provided. Allele origin: germline. Inheritance: Autosomal recessive inheritance. Affected: yes.

Clinical Genetics DNA and cytogenetics Diagnostics Lab, Erasmus MC, Erasmus Medical Center
Classification: Benign. Review status: no assertion criteria provided. Collection method: clinical testing. Allele origin: germline. Affected: yes. Study: VKGL Data-share Consensus. Not counted in ClinVar's aggregate classification.

Clinical Genetics, Academic Medical Center
Classification: Benign. Review status: no assertion criteria provided. Collection method: clinical testing. Allele origin: germline. Affected: yes. Study: VKGL Data-share Consensus. Not counted in ClinVar's aggregate classification.

Joint Genome Diagnostic Labs from Nijmegen and Maastricht, Radboudumc and MUMC+
Classification: Benign. Review status: no assertion criteria provided. Collection method: clinical testing. Allele origin: germline. Affected: yes. Study: VKGL Data-share Consensus. Not counted in ClinVar's aggregate classification.

Laboratory of Diagnostic Genome Analysis, Leiden University Medical Center (LUMC)
Classification: Likely benign. Review status: no assertion criteria provided. Collection method: clinical testing. Allele origin: germline. Affected: yes. Study: VKGL Data-share Consensus. Not counted in ClinVar's aggregate classification.

NM_001267550.2(TTN):c.17312C>G (p.Thr5771Ser)

Genes: TTN (titin; minus strand), LOC126806431 (CDK7 strongly-dependent group 2 enhancer GRCh37_chr2:179595719-179596918; plus strand). Cytogenetic location: 2q31.2.
Variant type: single nucleotide variant.
Coding change: c.17312C>G on transcript NM_001267550.2 (MANE Select); coding-DNA position 17312, C replaced by G.
Protein change: p.Thr5771Ser; replaces threonine 5771 with serine.
Molecular consequence: missense variant. On other transcripts: intron variant (3).
Genome position (GRCh38, 1-based): chr2:178,731,454, G>C on the plus strand (C>G on the coding strand, the complement: TTN is on the minus strand). VCF-style: chr2-178731454-G-C. GRCh37 (hg19) VCF-style: chr2-179596181-G-C.
Other names: c.16361C>G, p.Thr5454Ser (NM_001256850.1); c.13282+6628C>G (NM_003319.4); c.13858+6628C>G (NM_133437.4); c.13657+6628C>G (NM_133432.3); c.13580C>G, p.Thr4527Ser (NM_133378.4); c.17312C>G (NM_001267550.1); short protein forms T4527S, T5771S, T5454S.
Identifiers: ClinVar variation 177967 (VCV000177967.39), dbSNP rs16866477, ClinGen allele CA181084.